The following is an entry in ClinVar:

ClinVar aggregate classification (germline): Pathogenic. Review status: criteria provided, multiple submitters, no conflicts (2 of 4 stars). 7 submissions from 7 submitters: Pathogenic (6). 1 of the submissions does not count toward it. Last evaluated 2025-12-02.

Conditions:
Familial cancer of breast. Also called: hereditary breast carcinoma; BREAST CANCER, FAMILIAL; Hereditary breast cancer. Identifiers: Orphanet 227535, MedGen C0346153, MONDO:0016419, OMIM 114480. Disease mechanism: loss of function.
Hereditary cancer-predisposing syndrome. Also called: Neoplastic Syndromes, Hereditary; Tumor predisposition; Hereditary neoplastic syndrome; Hereditary Cancer Syndrome. Identifiers: Orphanet 140162, MedGen C0027672, MeSH D009386, MONDO:0015356.
Ataxia-telangiectasia syndrome (AT). Also called: LOUIS-BAR SYNDROME; Cerebello-oculocutaneous telangiectasia; Immunodeficiency with ataxia telangiectasia; Ataxia-telangiectasia, complementation group D; AT, COMPLEMENTATION GROUP C; ATAXIA-TELANGIECTASIA, COMPLEMENTATION GROUP A. Identifiers: Orphanet 100, MedGen C0004135, MONDO:0008840, OMIM 208900.

Submissions (7):

Natera, Inc.
Classification: Pathogenic for Ataxia-telangiectasia. Last evaluated: 2025-12-02. Review status: criteria provided, single submitter. Criteria: Natera Variant Classification Schema (03/2026). Collection method: clinical testing. Allele origin: germline.
Comment: The c.3602_3603del variant in ATM is a frameshift variant predicted to shift the reading frame beginning at codon 1201 and leads to a stop codon 3 codons downstream. This variant is expected to result in nonsense mediated decay, truncation, or a dysfunctional protein product. This variant is rare in the general population with a frequency below the threshold expected for the associated phenotype(s). This variant has been observed in one or more individuals affected with the associated recessive disease, as either homozygous or compound heterozygous with a second variant (PMID: 34628594). Given the available evidence, this variant is classified as Pathogenic.

Labcorp Genetics (formerly Invitae), Labcorp
Classification: Pathogenic for Ataxia-telangiectasia syndrome. Last evaluated: 2025-07-30. Review status: criteria provided, single submitter. Criteria: Invitae Variant Classification Sherloc (09022015). Collection method: clinical testing. Allele origin: germline.
Comment: This sequence change creates a premature translational stop signal (p.Phe1201Trpfs*3) in the ATM gene. It is expected to result in an absent or disrupted protein product. Loss-of-function variants in ATM are known to be pathogenic (PMID: 23807571, 25614872). This variant is not present in population databases (gnomAD no frequency). This premature translational stop signal has been observed in individual(s) with ataxia telangiectasia (PMID: 10425038, 33547824). This variant is also known as 3602delTT. ClinVar contains an entry for this variant (Variation ID: 551292). For these reasons, this variant has been classified as Pathogenic.

Ambry Genetics
Classification: Pathogenic for Hereditary cancer-predisposing syndrome. Last evaluated: 2025-02-12. Review status: criteria provided, single submitter. Criteria: Ambry Variant Classification Scheme 2023. Collection method: clinical testing. Allele origin: germline.
Comment: The c.3602_3603delTT pathogenic mutation, located in coding exon 24 of the ATM gene, results from a deletion of two nucleotides at nucleotide positions 3602 to 3603, causing a translational frameshift with a predicted alternate stop codon (p.F1201Wfs*3). This mutation has been reported as homozygous in two patients with ataxia telengiectasia (A-T) (Castellv&iacute;-Bel S et al. Hum Mutat, 1999;14:156-62; Amirifar P et al. Pediatr Allergy Immunol, 2021 08;32:1316-1326). In one study, this variant was reported in 1/60,466 breast cancer cases and in 0/53,461 controls (Dorling et al. N Engl J Med. 2021 02;384:428-439). This variant is considered to be rare based on population cohorts in the Genome Aggregation Database (gnomAD). In addition to the clinical data presented in the literature, this alteration is expected to result in loss of function by premature protein truncation or nonsense-mediated mRNA decay. As such, this alteration is interpreted as a disease-causing mutation.

Myriad Genetics, Inc.
Classification: Pathogenic for Familial cancer of breast. Last evaluated: 2024-01-22. Review status: criteria provided, single submitter. Criteria: Myriad Autosomal Dominant, Autosomal Recessive and X-Linked Classification Criteria (2023). Collection method: clinical testing. Allele origin: unknown.
Comment: This variant is considered pathogenic. This variant creates a frameshift predicted to result in premature protein truncation.

Baylor Genetics
Classification: Pathogenic for Familial cancer of breast. Last evaluated: 2023-04-06. Review status: criteria provided, single submitter. Criteria: ACMG Guidelines, 2015. Collection method: clinical testing. Allele origin: unknown.

Genesis Genomics
Classification: Pathogenic for Familial cancer of breast. Review status: criteria provided, single submitter. Criteria: ACMG Guidelines, 2015. Collection method: clinical testing. Allele origin: germline. Affected: yes. Observed: 1 variant allele.

Counsyl
Classification: Pathogenic for Ataxia-telangiectasia syndrome. Last evaluated: 2017-03-29. Review status: no assertion criteria provided. Collection method: clinical testing. Allele origin: unknown. Not counted in ClinVar's aggregate classification.

Literature cited by the submitters: PubMed 34628594 (cited by Natera, Inc.); PubMed 23807571 (cited by Labcorp Genetics (formerly Invitae), Labcorp); PubMed 25614872 (cited by Labcorp Genetics (formerly Invitae), Labcorp); PubMed 10425038 (cited by 3 submitters); PubMed 33547824 (cited by Labcorp Genetics (formerly Invitae), Labcorp and Ambry Genetics); PubMed 33471991 (cited by Ambry Genetics); PubMed 10330348 (cited by Counsyl); PubMed 10817650 (cited by Counsyl).

NM_000051.4(ATM):c.3602_3603del (p.Phe1201fs)

Gene: ATM (ATM serine/threonine kinase; plus strand). Cytogenetic location: 11q22.3.
Variant type: Deletion.
Coding change: c.3602_3603del on transcript NM_000051.4 (MANE Select); coding-DNA positions 3602 to 3603, 2 bases deleted (TT; older notation c.3602_3603delTT).
Protein change: p.Phe1201fs; shifts the reading frame from phenylalanine 1201.
Molecular consequence: frameshift variant.
Genome position (GRCh38, 1-based): chr11:108,282,735-108,282,736, TT deleted; deleting any 2 consecutive bases within chr11:108,282,733-108,282,736 gives the same sequence; the c. name uses the placement nearest the transcript's 3' end. VCF-style (leftmost placement, unchanged base first): chr11-108282732-CTT-C. GRCh37 (hg19) VCF-style: chr11-108153459-CTT-C.
Other names: c.3602_3603del, p.Phe1201fs (NM_001351834.2); c.3602_3603del (NM_000051.3); c.3602_3603delTT (NM_000051.3); short protein forms F1201fs.
Identifiers: ClinVar variation 551292 (VCV000551292.19), dbSNP rs1057517129, ClinGen allele CA658822194.